The following is an entry in ClinVar:

NM_021096.4(CACNA1I):c.82C>T (p.Pro28Ser)

Gene: CACNA1I (calcium voltage-gated channel subunit alpha1 I; plus strand). Cytogenetic location: 22q13.1.
Variant type: single nucleotide variant.
Coding change: c.82C>T on transcript NM_021096.4 (MANE Select); coding-DNA position 82, C replaced by T.
Protein change: p.Pro28Ser; replaces proline 28 with serine.
Molecular consequence: missense variant.
Genome position (GRCh38, 1-based): chr22:39,570,834, C>T. VCF-style: chr22-39570834-C-T. GRCh37 (hg19) VCF-style: chr22-39966839-C-T.
Other names: c.82C>T, p.Pro28Ser (NM_001003406.2); short protein forms P28S.
Identifiers: ClinVar variation 3344782 (VCV003344782.1).

ClinVar aggregate classification (germline): Uncertain significance (0 of 4 stars; one submission).

Conditions:
CACNA1I-related disorder. Also called: CACNA1I-related condition.

gnomAD v4.1: 1 of 1,613,528 alleles (0.000062%); highest among the groups gnomAD compares: Non-Finnish European, 0.000085%; no homozygotes.

Submission:

PreventionGenetics, part of Exact Sciences
Classification: Uncertain significance for CACNA1I-related condition. Last evaluated: 2024-06-26. Review status: no assertion criteria provided. Collection method: clinical testing. Allele origin: germline.
Comment: The CACNA1I c.82C>T variant is predicted to result in the amino acid substitution p.Pro28Ser. To our knowledge, this variant has not been reported in the literature or in a large population database, indicating it is rare. At this time, the clinical significance of this variant is uncertain due to the absence of conclusive functional and genetic evidence.